The following is an entry in ClinVar:

NM_002439.5(MSH3):c.1415T>A (p.Val472Asp)

Gene: MSH3 (mutS homolog 3; plus strand). Cytogenetic location: 5q14.1.
Variant type: single nucleotide variant.
Coding change: c.1415T>A on transcript NM_002439.5 (MANE Select); coding-DNA position 1415, T replaced by A.
Protein change: p.Val472Asp; replaces valine 472 with aspartic acid.
Molecular consequence: missense variant.
Genome position (GRCh38, 1-based): chr5:80,725,527, T>A. VCF-style: chr5-80725527-T-A. GRCh37 (hg19) VCF-style: chr5-80021346-T-A.
Other names: short protein forms V472D.
Identifiers: ClinVar variation 3222237 (VCV003222237.1), dbSNP rs2546753029, ClinGen allele CA360273618.

ClinVar aggregate classification (germline): Uncertain significance (1 of 4 stars; one submission).

Conditions:
Hereditary cancer-predisposing syndrome. Also called: Tumor predisposition; Hereditary neoplastic syndrome; Hereditary Cancer Syndrome; Neoplastic Syndromes, Hereditary. Identifiers: Orphanet 140162, MedGen C0027672, MeSH D009386, MONDO:0015356.

Submission:

Ambry Genetics
Classification: Uncertain significance for Hereditary cancer-predisposing syndrome. Last evaluated: 2024-01-25. Review status: criteria provided, single submitter. Criteria: Ambry Variant Classification Scheme 2023. Collection method: clinical testing. Allele origin: germline.
Comment: The p.V472D variant (also known as c.1415T>A), located in coding exon 9 of the MSH3 gene, results from a T to A substitution at nucleotide position 1415. The valine at codon 472 is replaced by aspartic acid, an amino acid with highly dissimilar properties. This amino acid position is conserved. In addition, this alteration is predicted to be deleterious by in silico analysis. Based on the available evidence, the clinical significance of this alteration remains unclear.